The following is an entry in ClinVar:

ClinVar aggregate classification (germline): Uncertain significance (1 of 4 stars; one submission).

Conditions:
Inborn genetic diseases. Identifiers: MedGen C0950123, MeSH D030342.

Submission:

Ambry Genetics
Classification: Uncertain significance for Inborn genetic diseases. Last evaluated: 2025-07-18. Review status: criteria provided, single submitter. Criteria: Ambry Variant Classification Scheme 2023. Collection method: clinical testing. Allele origin: germline.
Comment: The p.R252L variant (also known as c.755G>T), located in coding exon 7 of the USB1 gene, results from a G to T substitution at nucleotide position 755. The arginine at codon 252 is replaced by leucine, an amino acid with dissimilar properties. This amino acid position is conserved. In addition, the in silico prediction for this alteration is inconclusive. Based on the available evidence, the clinical significance of this variant remains unclear.

NM_024598.4(USB1):c.755G>T (p.Arg252Leu)

Gene: USB1 (U6 snRNA biogenesis phosphodiesterase 1; plus strand). Cytogenetic location: 16q21.
Variant type: single nucleotide variant.
Coding change: c.755G>T on transcript NM_024598.4 (MANE Select); coding-DNA position 755, G replaced by T.
Protein change: p.Arg252Leu; replaces arginine 252 with leucine.
Molecular consequence: missense variant.
Genome position (GRCh38, 1-based): chr16:58,020,202, G>T. VCF-style: chr16-58020202-G-T. GRCh37 (hg19) VCF-style: chr16-58054106-G-T.
Other names: c.701G>T, p.Arg234Leu (NM_001195302.2); c.602G>T, p.Arg201Leu (NM_001330568.2); short protein forms R234L, R201L, R252L.
Identifiers: ClinVar variation 4196802 (VCV004196802.1).
Genomic context (GRCh38, chr16:58,020,202, plus strand): 5'-CAATCGTGGATGGGTTTGAAGATGCTGAGGTGCTGCTGCGCGTGCACACTGAGCAAGTCC[G>T]CTGCAAGTCTGGGAACAAGTTCTTCTCGATGCCTTTGAAGTGAGCACCAGAGGCCTTCCT-3'
Protein context (NP_078874.2, residues 242-262): VLLRVHTEQV[Arg252Leu]CKSGNKFFSM